The following is an entry in ClinVar:

ClinVar aggregate classification (germline): Uncertain significance (1 of 4 stars; one submission).

Conditions:
Camptomelic dysplasia (CMPD). Also called: CMPD1/SRA1; Campomelic Dysplasia. Identifiers: Orphanet 140, MedGen C1861922, MONDO:0007251, OMIM 114290.

Submission:

Labcorp Genetics (formerly Invitae), Labcorp
Classification: Uncertain significance for Camptomelic dysplasia. Last evaluated: 2022-03-18. Review status: criteria provided, single submitter. Criteria: Invitae Variant Classification Sherloc (09022015). Collection method: clinical testing. Allele origin: germline.
Comment: In summary, the available evidence is currently insufficient to determine the role of this variant in disease. Therefore, it has been classified as a Variant of Uncertain Significance. Algorithms developed to predict the effect of missense changes on protein structure and function are either unavailable or do not agree on the potential impact of this missense change (SIFT: "Deleterious"; PolyPhen-2: "Benign"; Align-GVGD: "Class C15"). This variant has not been reported in the literature in individuals affected with SOX9-related conditions. This variant is not present in population databases (gnomAD no frequency). This sequence change replaces proline, which is neutral and non-polar, with leucine, which is neutral and non-polar, at codon 307 of the SOX9 protein (p.Pro307Leu).

NM_000346.4(SOX9):c.920C>T (p.Pro307Leu)

Gene: SOX9 (SRY-box transcription factor 9; plus strand). Cytogenetic location: 17q24.3.
Variant type: single nucleotide variant.
Coding change: c.920C>T on transcript NM_000346.4 (MANE Select); coding-DNA position 920, C replaced by T.
Protein change: p.Pro307Leu; replaces proline 307 with leucine.
Molecular consequence: missense variant.
Genome position (GRCh38, 1-based): chr17:72,123,777, C>T. VCF-style: chr17-72123777-C-T. GRCh37 (hg19) VCF-style: chr17-70119918-C-T.
Other names: short protein forms P307L.
Identifiers: ClinVar variation 2138932 (VCV002138932.4), dbSNP rs202028563, ClinGen allele CA293783460.
Genomic context (GRCh38, chr17:72,123,777, plus strand): 5'-AGACCTTCGATGTCAACGAGTTTGACCAGTACCTGCCGCCCAACGGCCACCCGGGGGTGC[C>T]GGCCACGCACGGCCAGGTCACCTACACGGGCAGCTACGGCATCAGCAGCACCGCGGCCAC-3'
Protein context (NP_000337.1, residues 297-317): YLPPNGHPGV[Pro307Leu]ATHGQVTYTG